The following is an entry in ClinVar:

ClinVar aggregate classification (germline): Conflicting classifications of pathogenicity. Review status: criteria provided, conflicting classifications (1 of 4 stars). 7 submissions from 6 submitters: Uncertain significance (5); Likely benign (1). 1 of the submissions does not count toward it. Last evaluated 2025-08-13.

Conditions:
Retinitis pigmentosa 39 (RP39). Identifiers: Orphanet 791, MedGen C3151138, MONDO:0013436, OMIM 613809.
Usher syndrome type 2A. Also called: RETINAL DISEASE IN USHER SYNDROME TYPE IIA, MODIFIER OF; USHER SYNDROME, TYPE IIA. Identifiers: Orphanet 231178, Orphanet 886, MedGen C1848634, MONDO:0010169, OMIM 276901.
Inborn genetic diseases. Identifiers: MedGen C0950123, MeSH D030342.

Allele frequency attached by ClinVar (database versions not stated): gnomAD exomes 0.00003; ExAC 0.00005; TOPMed 0.00012; gnomAD 0.00014; ESP Exome Variant Server 0.00015; 1000 Genomes Project 0.00020; 1000 Genomes Project 30x 0.00031.
gnomAD v4.1: 36 of 1,614,094 alleles (0.0022%); highest among the groups gnomAD compares: African/African-American, 0.045%; no homozygotes.

Submissions (7):

GeneDx
Classification: Uncertain significance. Last evaluated: 2025-08-13. Review status: criteria provided, single submitter. Criteria: GeneDx Variant Classification Process June 2021. Collection method: clinical testing. Allele origin: germline. Affected: yes.
Comment: In silico analysis suggests that this missense variant does not alter protein structure/function; Has not been previously published as pathogenic or benign to our knowledge

Ambry Genetics
Classification: Uncertain significance for Inborn genetic diseases. Last evaluated: 2025-02-25. Review status: criteria provided, single submitter. Criteria: Ambry Variant Classification Scheme 2023. Collection method: clinical testing. Allele origin: germline.

Labcorp Genetics (formerly Invitae), Labcorp
Classification: Likely benign. Last evaluated: 2024-06-25. Review status: criteria provided, single submitter. Criteria: Invitae Variant Classification Sherloc (09022015). Collection method: clinical testing. Allele origin: germline.

Genome-Nilou Lab
Classification: Uncertain significance for Retinitis pigmentosa 39. Last evaluated: 2023-11-04. Review status: criteria provided, single submitter. Criteria: ACMG Guidelines, 2015. Collection method: clinical testing. Allele origin: germline. Affected: no.

Genome-Nilou Lab
Classification: Uncertain significance for Usher syndrome type 2A. Last evaluated: 2023-11-04. Review status: criteria provided, single submitter. Criteria: ACMG Guidelines, 2015. Collection method: clinical testing. Allele origin: germline. Affected: no.

Blueprint Genetics
Classification: Uncertain significance. Last evaluated: 2022-06-08. Review status: criteria provided, single submitter. Criteria: ACMG Guidelines, 2015. Collection method: clinical testing. Allele origin: germline.

Natera, Inc.
Classification: Uncertain significance for Usher syndrome type 2A. Last evaluated: 2020-01-17. Review status: no assertion criteria provided. Collection method: clinical testing. Allele origin: germline. Not counted in ClinVar's aggregate classification.

NM_206933.4(USH2A):c.9992T>A (p.Met3331Lys)

Gene: USH2A (usherin; minus strand). Cytogenetic location: 1q41.
Variant type: single nucleotide variant.
Coding change: c.9992T>A on transcript NM_206933.4 (MANE Select); coding-DNA position 9992, T replaced by A.
Protein change: p.Met3331Lys; replaces methionine 3331 with lysine.
Molecular consequence: missense variant.
Genome position (GRCh38, 1-based): chr1:215,790,249, A>T on the plus strand (T>A on the coding strand, the complement: USH2A is on the minus strand). VCF-style: chr1-215790249-A-T. GRCh37 (hg19) VCF-style: chr1-215963591-A-T.
Other names: short protein forms M3331K.
Identifiers: ClinVar variation 865763 (VCV000865763.12), dbSNP rs141452179, ClinGen allele CA1394156.